The following is an entry in ClinVar:

NM_001098511.3(KIF2A):c.1140G>A (p.Arg380=)

Gene: KIF2A (kinesin family member 2A; plus strand). Cytogenetic location: 5q12.1.
Variant type: single nucleotide variant.
Coding change: c.1140G>A on transcript NM_001098511.3 (MANE Select); coding-DNA position 1140, G replaced by A.
Protein change: p.Arg380=; no amino-acid change (arginine 380 retained).
Molecular consequence: synonymous variant.
Genome position (GRCh38, 1-based): chr5:62,363,198, G>A. VCF-style: chr5-62363198-G-A. GRCh37 (hg19) VCF-style: chr5-61659025-G-A.
Other names: c.1059G>A, p.Arg353= (NM_001243952.2); c.1083G>A, p.Arg361= (NM_001243953.2); c.1140G>A, p.Arg380= (NM_004520.5).
Identifiers: ClinVar variation 1900126 (VCV001900126.7), dbSNP rs774313950, ClinGen allele CA3278937.

ClinVar aggregate classification (germline): Likely benign. Review status: criteria provided, multiple submitters, no conflicts (2 of 4 stars). 2 submissions from 2 submitters: Likely benign (2). Last evaluated 2025-08-07.

Allele frequency attached by ClinVar (database versions not stated): gnomAD exomes below 0.00001; gnomAD 0.00001; TOPMed 0.00002; ExAC 0.00003.
gnomAD v4.1: 8 of 1,608,886 alleles (0.0005%); highest among the groups gnomAD compares: Admixed American, 0.0034%; no homozygotes.

Submissions (2):

Labcorp Genetics (formerly Invitae), Labcorp
Classification: Likely benign. Last evaluated: 2025-08-07. Review status: criteria provided, single submitter. Criteria: Invitae Variant Classification Sherloc (09022015). Collection method: clinical testing. Allele origin: germline.

Women's Health and Genetics/Laboratory Corporation of America, LabCorp
Classification: Likely benign. Last evaluated: 2024-03-14. Review status: criteria provided, single submitter. Criteria: LabCorp Variant Classification Summary - May 2015. Collection method: clinical testing. Allele origin: germline.
Comment: Variant summary: KIF2A c.1140G>A alters a conserved nucleotide resulting in a synonymous change. Consensus agreement among computation tools predict no significant impact on normal splicing. However, these predictions have yet to be confirmed by functional studies. The variant allele was found at a frequency of 8.2e-06 in 242634 control chromosomes (gnomAD). The available data on variant occurrences in the general population are insufficient to allow any conclusion about variant significance. To our knowledge, no occurrence of c.1140G>A in individuals affected with Complex Cortical Dysplasia With Other Brain Malformations 3 and no experimental evidence demonstrating its impact on protein function have been reported. ClinVar contains an entry for this variant (Variation ID: 1900126). Based on the evidence outlined above, the variant was classified as likely benign.